The following is an entry in ClinVar:

NM_000516.7(GNAS):c.521G>A (p.Cys174Tyr)

Gene: GNAS (GNAS complex locus; plus strand). Cytogenetic location: 20q13.32.
Variant type: single nucleotide variant.
Coding change: c.521G>A on transcript NM_000516.7 (MANE Select); coding-DNA position 521, G replaced by A.
Protein change: p.Cys174Tyr; replaces cysteine 174 with tyrosine.
Molecular consequence: missense variant. On other transcripts: 3 prime UTR variant (2).
Genome position (GRCh38, 1-based): chr20:58,905,471, G>A. VCF-style: chr20-58905471-G-A. GRCh37 (hg19) VCF-style: chr20-57480526-G-A.
Other names: p.Cys174Tyr; c.524G>A, p.Cys175Tyr (NM_001077488.5); c.476G>A, p.Cys159Tyr (NM_001077489.4); c.*382G>A (NM_001077490.3); c.344G>A, p.Cys115Tyr (NM_001309840.2, NM_001309861.2, NM_001438276.1 and 1 more transcripts); c.425G>A, p.Cys142Tyr (NM_001410912.1); c.2405G>A, p.Cys802Tyr (NM_001410913.1); c.299G>A, p.Cys100Tyr (NM_001438273.1, NM_001438274.1, NM_001438275.1); and 3 more; short protein forms C100Y, C115Y, C142Y, C159Y, C160Y, C174Y, C175Y, C802Y.
Identifiers: ClinVar variation 4279983 (VCV004279983.2).
Genomic context (GRCh38, chr20:58,905,471, plus strand): 5'-GGGAGGATGAAGGAGTGCGTGCCTGCTACGAACGCTCCAACGAGTACCAGCTGATTGACT[G>A]TGCCCAGTAGTAAGTAACCGCCACCCAACCCATCAGCACATAAAACAGACAAAAACAAGA-3'
Protein context (NP_000507.1, residues 164-184): ERSNEYQLID[Cys174Tyr]AQYFLDKIDV

ClinVar aggregate classification (germline): Conflicting classifications of pathogenicity. Review status: criteria provided, conflicting classifications (1 of 4 stars). 2 submissions from 2 submitters: Likely pathogenic (1); Uncertain significance (1). Last evaluated 2025-08-18.

Conditions:
McCune-Albright syndrome (MAS). Also called: ALBRIGHT SYNDROME; Albright's Syndrome; Albright's disease; McCune-Albright syndrome, somatic, mosaic; Fibrous Dysplasia / McCune-Albright Syndrome. Identifiers: Orphanet 562, MedGen C0242292, MONDO:0018919, OMIM 174800.

Submissions (2):

Undiagnosed Diseases Network, NIH
Classification: Likely pathogenic for McCune-Albright syndrome. Last evaluated: 2025-08-18. Review status: criteria provided, single submitter. Criteria: ACMG Guidelines, 2015. Collection method: clinical testing. Allele origin: somatic. Inheritance: Autosomal dominant inheritance. Affected: yes. Observed: 1 variant allele, 1 homozygote. Study: Undiagnosed Diseases Network, UDN.

Clinical Genomics Laboratory, Washington University in St. Louis
Classification: Uncertain significance for McCune-Albright syndrome. Last evaluated: 2025-06-18. Review status: criteria provided, single submitter. Criteria: Leon-Quintero et al. (Clin Genet. 2025). Collection method: clinical testing. Allele origin: somatic. Affected: yes.
Comment: A GNAS c.521G>A (p.Cys174Tyr) variant was identified at an allelic fraction consistent with somatic origin. This variant has been reported in one individual as a de novo heterozygous variant with features of Cushing's syndrome without café au lait spots, polyostotic fibrous dysplasia, and clinical evidence of other endocrine hyperfunction associated with McCune-Albright syndrome (Dejkhamron P et al., PMID: 31362300). The GNAS c.521G>A (p.Cys174Tyr) variant is absent from the general population (gnomAD v4.1.0), indicating it is not a common variant. Computational predictors indicate that the variant is damaging, evidence that correlates with impact on GNAS function. Due to limited information, and based on an internally developed protocol informed by the ACMG/AMP guidelines (Leon-Quintero FZ, et al., PMID: 39434542), the clinical significance of this variant is uncertain at this time.

Literature cited by the submitters: PubMed 31362300 (cited by Undiagnosed Diseases Network, NIH).